The following is an entry in ClinVar:

ClinVar aggregate classification (germline): Likely pathogenic (1 of 4 stars; one submission).

Conditions:
Hereditary breast ovarian cancer syndrome. Also called: BRCA1- and BRCA2-Associated Hereditary Breast and Ovarian Cancer; Hereditary breast and ovarian cancer; Hereditary breast and ovarian cancer syndrome (HBOC); Hereditary breast and/or ovarian cancer syndrome; Hereditary breast and ovarian cancer syndrome; Breast and ovarian cancer. Identifiers: Orphanet 145, MedGen C0677776, MeSH D061325, MONDO:0003582. Disease mechanism: loss of function.

Submission:

Genetics and Personalized Medicine Clinic, Tartu University Hospital
Classification: Likely pathogenic for Hereditary breast ovarian cancer syndrome. Last evaluated: 2023-01-01. Review status: criteria provided, single submitter. Criteria: ACMG Guidelines, 2015. Collection method: clinical testing. Allele origin: germline. Affected: no. Observed: 5 variant alleles.
Comment: CDH1 c.900del (p.Ile300Metfs*56) is a frameshift variant introducing a premature stop codon, likely resulting in nonsense-mediated decay. Loss-of-function is a known mechanism for CDH1-associated hereditary diffuse gastric cancer.

NM_004360.5(CDH1):c.900del (p.Ile300fs)

Gene: CDH1 (cadherin 1; plus strand). Cytogenetic location: 16q22.1.
Variant type: Deletion.
Coding change: c.900del on transcript NM_004360.5 (MANE Select); coding-DNA position 900, one base deleted (C; older notation c.900delC).
Protein change: p.Ile300fs; shifts the reading frame from isoleucine 300.
Molecular consequence: frameshift variant. On other transcripts: 5 prime UTR variant (2).
Genome position (GRCh38, 1-based): chr16:68,811,751, C deleted. VCF-style (leftmost placement, unchanged base first): chr16-68811750-TC-T. GRCh37 (hg19) VCF-style: chr16-68845653-TC-T.
Other names: c.900del, p.Ile300fs (NM_001317184.2); c.-716del (NM_001317185.2); c.-920del (NM_001317186.2); short protein forms I300fs.
Identifiers: ClinVar variation 4082379 (VCV004082379.1).